The following is an entry in ClinVar:

NM_000059.4(BRCA2):c.7132T>G (p.Ser2378Ala)

Gene: BRCA2 (BRCA2 DNA repair associated; plus strand). Cytogenetic location: 13q13.1.
Variant type: single nucleotide variant.
Coding change: c.7132T>G on transcript NM_000059.4 (MANE Select); coding-DNA position 7132, T replaced by G.
Protein change: p.Ser2378Ala; replaces serine 2378 with alanine.
Molecular consequence: missense variant. On other transcripts: non-coding transcript variant (1).
Genome position (GRCh38, 1-based): chr13:32,354,985, T>G. VCF-style: chr13-32354985-T-G. GRCh37 (hg19) VCF-style: chr13-32929122-T-G.
Other names: c.7036T>G, p.Ser2346Ala (NM_001406719.1); c.7132T>G, p.Ser2378Ala (NM_001406720.1); c.2200T>G, p.Ser734Ala (NM_001406721.1); c.715T>G, p.Ser239Ala (NM_001406722.1); short protein forms S2378A, S239A, S734A, S2346A.
Identifiers: ClinVar variation 2451579 (VCV002451579.3), dbSNP rs2072678355, ClinGen allele CA387738862.

ClinVar aggregate classification (germline): Uncertain significance (1 of 4 stars; one submission).

Conditions:
Hereditary cancer-predisposing syndrome. Also called: Neoplastic Syndromes, Hereditary; Tumor predisposition; Hereditary neoplastic syndrome; Hereditary Cancer Syndrome. Identifiers: Orphanet 140162, MedGen C0027672, MeSH D009386, MONDO:0015356.

Allele frequency attached by ClinVar (database versions not stated): TOPMed 0.00001.

Submission:

Ambry Genetics
Classification: Uncertain significance for Hereditary cancer-predisposing syndrome. Last evaluated: 2025-12-10. Review status: criteria provided, single submitter. Criteria: Ambry Variant Classification Scheme 2023. Collection method: clinical testing. Allele origin: germline.
Comment: The p.S2378A variant (also known as c.7132T>G), located in coding exon 13 of the BRCA2 gene, results from a T to G substitution at nucleotide position 7132. The serine at codon 2378 is replaced by alanine, an amino acid with similar properties. This amino acid position is conserved. In addition, this alteration is predicted to be tolerated by in silico analysis. Since supporting evidence is limited at this time, the clinical significance of this alteration remains unclear.